The following is an entry in ClinVar:

ClinVar aggregate classification (germline): Uncertain significance (1 of 4 stars; one submission).

Submission:

GeneDx
Classification: Uncertain significance. Last evaluated: 2025-04-16. Review status: criteria provided, single submitter. Criteria: GeneDx Variant Classification Process June 2021. Collection method: clinical testing. Allele origin: germline. Affected: yes.
Comment: Not observed at significant frequency in large population cohorts (gnomAD); In silico analysis indicates that this missense variant does not alter protein structure/function; In silico analysis suggests this variant may impact gene splicing. In the absence of RNA/functional studies, the actual effect of this sequence change is unknown.; Has not been previously published as pathogenic or benign to our knowledge

NM_003660.4(PPFIA3):c.880G>T (p.Ala294Ser)

Gene: PPFIA3 (PPFI scaffold protein A3; plus strand). Cytogenetic location: 19q13.33.
Variant type: single nucleotide variant.
Coding change: c.880G>T on transcript NM_003660.4 (MANE Select); coding-DNA position 880, G replaced by T.
Protein change: p.Ala294Ser; replaces alanine 294 with serine.
Molecular consequence: missense variant. On other transcripts: non-coding transcript variant (1).
Genome position (GRCh38, 1-based): chr19:49,133,001, G>T. VCF-style: chr19-49133001-G-T. GRCh37 (hg19) VCF-style: chr19-49636258-G-T.
Other names: short protein forms A294S.
Identifiers: ClinVar variation 4282291 (VCV004282291.1).